The following is an entry in ClinVar:

NM_015021.3(ZNF292):c.685C>G (p.Gln229Glu)

Gene: ZNF292 (zinc finger protein 292; plus strand). Cytogenetic location: 6q14.3.
Variant type: single nucleotide variant.
Coding change: c.685C>G on transcript NM_015021.3 (MANE Select); coding-DNA position 685, C replaced by G.
Protein change: p.Gln229Glu; replaces glutamine 229 with glutamic acid.
Molecular consequence: missense variant.
Genome position (GRCh38, 1-based): chr6:87,233,471, C>G. VCF-style: chr6-87233471-C-G. GRCh37 (hg19) VCF-style: chr6-87943189-C-G.
Other names: c.265C>G, p.Gln89Glu (NM_001351444.2); short protein forms Q229E, Q89E.
Identifiers: ClinVar variation 3764144 (VCV003764144.2).

ClinVar aggregate classification (germline): Uncertain significance (1 of 4 stars; one submission).

Submission:

GeneDx
Classification: Uncertain significance. Last evaluated: 2026-10-01. Review status: criteria provided, single submitter. Criteria: GeneDx Variant Classification Process June 2021. Collection method: clinical testing. Allele origin: germline.
Comment: Not observed at significant frequency in large population cohorts (gnomAD); In silico analysis supports that this missense variant has a deleterious effect on protein structure/function; Has not been previously published as pathogenic or benign to our knowledge